The following is an entry in ClinVar:

ClinVar aggregate classification (germline): Uncertain significance. Review status: criteria provided, multiple submitters, no conflicts (2 of 4 stars). 2 submissions from 2 submitters: Uncertain significance (2). Last evaluated 2024-09-16.

Conditions:
Early-infantile DEE. Also called: Early infantile epileptic encephalopathy; Ohtahara syndrome; Early infantile epileptic encephalopathy with suppression bursts. Identifiers: Orphanet 1934, MedGen C0393706, MONDO:0800491.

gnomAD v4.1: 1 of 1,613,562 alleles (0.000062%); highest among the groups gnomAD compares: African/African-American, 0.0013%; no homozygotes.

Submissions (2):

GeneDx
Classification: Uncertain significance. Last evaluated: 2024-09-16. Review status: criteria provided, single submitter. Criteria: GeneDx Variant Classification Process June 2021. Collection method: clinical testing. Allele origin: germline.
Comment: In silico analysis supports that this missense variant does not alter protein structure/function; Has not been previously published as pathogenic or benign to our knowledge

Labcorp Genetics (formerly Invitae), Labcorp
Classification: Uncertain significance for Early-infantile DEE. Last evaluated: 2020-12-31. Review status: criteria provided, single submitter. Criteria: Invitae Variant Classification Sherloc (09022015). Collection method: clinical testing. Allele origin: germline.
Comment: This variant has not been reported in the literature in individuals with HCN1-related conditions. This variant is not present in population databases (ExAC no frequency). This sequence change replaces valine with leucine at codon 508 of the HCN1 protein (p.Val508Leu). The valine residue is highly conserved and there is a small physicochemical difference between valine and leucine. Advanced modeling of protein sequence and biophysical properties (such as structural, functional, and spatial information, amino acid conservation, physicochemical variation, residue mobility, and thermodynamic stability) performed at Invitae indicates that this missense variant is not expected to disrupt HCN1 protein function. In summary, the available evidence is currently insufficient to determine the role of this variant in disease. Therefore, it has been classified as a Variant of Uncertain Significance.

NM_021072.4(HCN1):c.1522G>T (p.Val508Leu)

Gene: HCN1 (hyperpolarization activated cyclic nucleotide gated potassium channel 1; minus strand). Cytogenetic location: 5p12.
Variant type: single nucleotide variant.
Coding change: c.1522G>T on transcript NM_021072.4 (MANE Select); coding-DNA position 1522, G replaced by T.
Protein change: p.Val508Leu; replaces valine 508 with leucine.
Molecular consequence: missense variant.
Genome position (GRCh38, 1-based): chr5:45,303,695, C>A on the plus strand (G>T on the coding strand, the complement: HCN1 is on the minus strand). VCF-style: chr5-45303695-C-A. GRCh37 (hg19) VCF-style: chr5-45303797-C-A.
Other names: c.1522G>T (NM_021072.3); short protein forms V508L.
Identifiers: ClinVar variation 1485906 (VCV001485906.11), dbSNP rs180790607, ClinGen allele CA359702535.
Genomic context (GRCh38, chr5:45,303,695, plus strand): 5'-TACTGGATTTTGTAATGACACCAGCAACACCGTGTTGAATGAAATACATTTTTTTACCCA[C>A]GGCTCCTTCTCGTATGATATAATCTCCAGGTTGAAACACCTCAAATCTCAACTTGCTCAG-3'
Protein context (NP_066550.2, residues 498-518): PGDYIIREGA[Val508Leu]GKKMYFIQHG